The following is an entry in ClinVar:

ClinVar aggregate classification (germline): Uncertain significance (1 of 4 stars; one submission).

Conditions:
Glycogen storage disease due to muscle beta-enolase deficiency (GSD13). Also called: Glycogen Storage Disease Type XIII; ENOLASE 3 DEFICIENCY; ENOLASE-BETA DEFICIENCY; GSD XIII. Identifiers: Orphanet 99849, MedGen C2752027, MONDO:0013046, OMIM 612932.

Submission:

Labcorp Genetics (formerly Invitae), Labcorp
Classification: Uncertain significance for Glycogen storage disease due to muscle beta-enolase deficiency. Last evaluated: 2025-07-09. Review status: criteria provided, single submitter. Criteria: Invitae Variant Classification Sherloc (09022015). Collection method: clinical testing. Allele origin: germline.
Comment: This sequence change replaces glycine, which is neutral and non-polar, with cysteine, which is neutral and slightly polar, at codon 113 of the ENO3 protein (p.Gly113Cys). This variant is not present in population databases (gnomAD no frequency). This variant has not been reported in the literature in individuals affected with ENO3-related conditions. Invitae Evidence Modeling of protein sequence and biophysical properties (such as structural, functional, and spatial information, amino acid conservation, physicochemical variation, residue mobility, and thermodynamic stability) indicates that this missense variant is expected to disrupt ENO3 protein function with a positive predictive value of 80%. In summary, the available evidence is currently insufficient to determine the role of this variant in disease. Therefore, it has been classified as a Variant of Uncertain Significance.

NM_053013.4(ENO3):c.337G>T (p.Gly113Cys)

Gene: ENO3 (enolase 3; plus strand). Cytogenetic location: 17p13.2.
Variant type: single nucleotide variant.
Coding change: c.337G>T on transcript NM_053013.4 (MANE Select); coding-DNA position 337, G replaced by T.
Protein change: p.Gly113Cys; replaces glycine 113 with cysteine.
Molecular consequence: missense variant.
Genome position (GRCh38, 1-based): chr17:4,953,738, G>T. VCF-style: chr17-4953738-G-T. GRCh37 (hg19) VCF-style: chr17-4857033-G-T.
Other names: c.208G>T, p.Gly70Cys (NM_001193503.2); c.337G>T, p.Gly113Cys (NM_001374523.1, NM_001976.5); c.364G>T, p.Gly122Cys (NM_001374524.1); short protein forms G122C, G70C, G113C.
Identifiers: ClinVar variation 4741721 (VCV004741721.1).
Genomic context (GRCh38, chr17:4,953,738, plus strand): 5'-CTCTCATCCTTTCTTCCCGCTTGCCTCCTTCCAGCCAAGTTTGGGGCCAATGCCATCCTG[G>T]GCGTGTCCTTGGCCGTGTGTAAGGCGGGAGCAGCTGAGAAGGGGGTCCCCCTGTACCGCC-3'
Protein context (NP_443739.3, residues 103-123): KSKFGANAIL[Gly113Cys]VSLAVCKAGA